The following is an entry in ClinVar:

NM_020822.3(KCNT1):c.255-13418C>A

Gene: KCNT1 (potassium sodium-activated channel subfamily T member 1; plus strand). Cytogenetic location: 9q34.3.
Variant type: single nucleotide variant.
Coding change: c.255-13418C>A on transcript NM_020822.3 (MANE Select); 13418 bases into the intron before coding-DNA position 255, C replaced by A.
Molecular consequence: intron variant.
Genome position (GRCh38, 1-based): chr9:135,736,680, C>A. VCF-style: chr9-135736680-C-A. GRCh37 (hg19) VCF-style: chr9-138628526-C-A.
Other names: c.111-13418C>A (NM_001272003.2).
Identifiers: ClinVar variation 1711697 (VCV001711697.30), dbSNP rs1049479450, ClinGen allele CA201435019.
Genomic context (GRCh38, chr9:135,736,680, plus strand): 5'-GCGCTCCCGCAGGATGGCGCGGGCCAAGCTGCCGCGCTCGCCGTCCGAGGGCAAGGCGGG[C>A]CCGGGGGGCGCCCCAGCCGGCGCCGCAGCCCCCGAGGAGCCTCACGGGCTCAGCCCGCTG-3'

ClinVar aggregate classification (germline): Benign (1 of 4 stars; one submission).

Allele frequency attached by ClinVar (database versions not stated): 1000 Genomes Project 30x 0.00094; gnomAD 0.00125; TOPMed 0.00148; gnomAD exomes 0.00165.
gnomAD v4.1: 460 of 317,680 alleles (0.14%); highest among the groups gnomAD compares: Non-Finnish European, 0.21%; 1 homozygote.

Submission:

CeGaT Center for Human Genetics Tuebingen
Classification: Benign. Last evaluated: 2022-08-01. Review status: criteria provided, single submitter. Criteria: CeGaT Center For Human Genetics Tuebingen Variant Classification Criteria Version 2. Collection method: clinical testing. Allele origin: germline. Affected: yes. Observed: 3 variant alleles.
Comment: KCNT1: BS1, BS2